The following is an entry in ClinVar:

ClinVar aggregate classification (germline): Likely pathogenic (1 of 4 stars; one submission).

Allele frequency attached by ClinVar (database versions not stated): gnomAD exomes 0.00001; ExAC 0.00002.
gnomAD v4.1: 8 of 1,614,134 alleles (0.0005%); highest among the groups gnomAD compares: South Asian, 0.0011%; no homozygotes.

Submission:

GeneDx
Classification: Likely pathogenic. Last evaluated: 2017-01-23. Review status: criteria provided, single submitter. Criteria: GeneDx Variant Classification (06012015). Collection method: clinical testing. Allele origin: germline. Affected: yes.
Comment: The R458Q variant in the SLC2A1 gene has not been reported previously as a pathogenic variant, nor as a benign variant, to our knowledge. This variant was not observed in approximately 6500 individuals of European and African American ancestry in the NHLBI Exome Sequencing Project, indicating it is not a common benign variant in these populations. Although this substitution occurs at a position where amino acids with similar properties to Arginine are tolerated across species, the R458Q variant is a semi-conservative amino acid substitution, which may impact secondary protein structure as these residues differ in some properties. In silico analysis predicts this variant is probably damaging to the protein structure/function. Additionally, a missense variant occurring in the same codon (R458W) has been reported in individuals with features of an SLC2A1-related disorder, and has been demonstrated to result in a marked reduction in glucose transport, supporting the functional importance of this position in the protein (Arsov et al., 2012; Tzadok et al., 2014).

NM_006516.4(SLC2A1):c.1373G>A (p.Arg458Gln)

Gene: SLC2A1 (solute carrier family 2 member 1; minus strand). Cytogenetic location: 1p34.2.
Variant type: single nucleotide variant.
Coding change: c.1373G>A on transcript NM_006516.4 (MANE Select); coding-DNA position 1373, G replaced by A.
Protein change: p.Arg458Gln; replaces arginine 458 with glutamine.
Molecular consequence: missense variant.
Genome position (GRCh38, 1-based): chr1:42,927,147, C>T on the plus strand (G>A on the coding strand, the complement: SLC2A1 is on the minus strand). VCF-style: chr1-42927147-C-T. GRCh37 (hg19) VCF-style: chr1-43392818-C-T.
Other names: short protein forms R458Q.
Identifiers: ClinVar variation 380233 (VCV000380233.2), dbSNP rs752143706, ClinGen allele CA803284.
Genomic context (GRCh38, chr1:42,927,147, plus strand): 5'-GTCTTGTCACTTTGGCTGGCTCCCCCCTGCCGGAAGCCGGAAGCGATCTCATCGAAGGTC[C>T]GGCCTTTAGTCTCAGGAACTTTGAAGTAGGTGAAGATGAAGAACAGAACCAGGAGCACAG-3'
Protein context (NP_006507.2, residues 448-468): TYFKVPETKG[Arg458Gln]TFDEIASGFR